The following is an entry in ClinVar:

ClinVar aggregate classification (germline): Uncertain significance. Review status: criteria provided, multiple submitters, no conflicts (2 of 4 stars). 2 submissions from 2 submitters: Uncertain significance (2). Last evaluated 2025-05-15.

Conditions:
Hereditary cancer-predisposing syndrome. Also called: Neoplastic Syndromes, Hereditary; Tumor predisposition; Hereditary neoplastic syndrome; Hereditary Cancer Syndrome. Identifiers: Orphanet 140162, MedGen C0027672, MeSH D009386, MONDO:0015356.
Familial adenomatous polyposis 1 (FAP1). Also called: FAMILIAL ADENOMATOUS POLYPOSIS 1, ATTENUATED; POLYPOSIS, ADENOMATOUS INTESTINAL. Identifiers: MedGen C2713442, MONDO:0021056, OMIM 175100. Disease mechanism: loss of function.

Allele frequency attached by ClinVar (database versions not stated): ExAC 0.00001; gnomAD 0.00001; 1000 Genomes Project 30x 0.00016; 1000 Genomes Project 0.00020.
gnomAD v4.1: 1 of 1,614,180 alleles (0.000062%); highest among the groups gnomAD compares: South Asian, 0.0011%; no homozygotes.

Submissions (2):

Ambry Genetics
Classification: Uncertain significance for Hereditary cancer-predisposing syndrome. Last evaluated: 2025-05-15. Review status: criteria provided, single submitter. Criteria: Ambry Variant Classification Scheme 2023. Collection method: clinical testing. Allele origin: germline.
Comment: The p.R810G variant (also known as c.2428A>G), located in coding exon 15 of the APC gene, results from an A to G substitution at nucleotide position 2428. The arginine at codon 810 is replaced by glycine, an amino acid with dissimilar properties. This amino acid position is conserved. In addition, in silico predictors for this gene do not accurately predict pathogenicity. Based on the available evidence, the clinical significance of this variant remains unclear.

Labcorp Genetics (formerly Invitae), Labcorp
Classification: Uncertain significance for Familial adenomatous polyposis 1. Last evaluated: 2025-04-13. Review status: criteria provided, single submitter. Criteria: Invitae Variant Classification Sherloc (09022015). Collection method: clinical testing. Allele origin: germline.
Comment: This sequence change replaces arginine, which is basic and polar, with glycine, which is neutral and non-polar, at codon 810 of the APC protein (p.Arg810Gly). This variant is present in population databases (rs564269909, gnomAD 0.003%). This variant has not been reported in the literature in individuals affected with APC-related conditions. ClinVar contains an entry for this variant (Variation ID: 663204). Invitae Evidence Modeling of protein sequence and biophysical properties (such as structural, functional, and spatial information, amino acid conservation, physicochemical variation, residue mobility, and thermodynamic stability) indicates that this missense variant is not expected to disrupt APC protein function with a negative predictive value of 95%. In summary, the available evidence is currently insufficient to determine the role of this variant in disease. Therefore, it has been classified as a Variant of Uncertain Significance.

NM_000038.6(APC):c.2428A>G (p.Arg810Gly)

Gene: APC (APC regulator of Wnt signaling pathway; plus strand). Cytogenetic location: 5q22.2.
Variant type: single nucleotide variant.
Coding change: c.2428A>G on transcript NM_000038.6 (MANE Select); coding-DNA position 2428, A replaced by G.
Protein change: p.Arg810Gly; replaces arginine 810 with glycine.
Molecular consequence: missense variant.
Genome position (GRCh38, 1-based): chr5:112,838,022, A>G. VCF-style: chr5-112838022-A-G. GRCh37 (hg19) VCF-style: chr5-112173719-A-G.
Other names: c.2428A>G, p.Arg810Gly (NM_001127510.3, NM_001354895.2); c.2374A>G, p.Arg792Gly (NM_001127511.3); c.2482A>G, p.Arg828Gly (NM_001354896.2); c.2458A>G, p.Arg820Gly (NM_001354897.2); c.2353A>G, p.Arg785Gly (NM_001354898.2); c.2344A>G, p.Arg782Gly (NM_001354899.2); c.2305A>G, p.Arg769Gly (NM_001354900.2); c.2251A>G, p.Arg751Gly (NM_001354901.2); and 5 more; short protein forms R650G, R769G, R782G, R785G, R828G, R709G, R792G, R684G.
Identifiers: ClinVar variation 663204 (VCV000663204.9), dbSNP rs564269909, ClinGen allele CA031968.